The following is an entry in ClinVar:

ClinVar aggregate classification (germline): Uncertain significance (1 of 4 stars; one submission).

Conditions:
Familial adenomatous polyposis 1 (FAP1). Also called: POLYPOSIS, ADENOMATOUS INTESTINAL; FAMILIAL ADENOMATOUS POLYPOSIS 1, ATTENUATED. Identifiers: MedGen C2713442, MONDO:0021056, OMIM 175100. Disease mechanism: loss of function.

Submission:

Labcorp Genetics (formerly Invitae), Labcorp
Classification: Uncertain significance for Familial adenomatous polyposis 1. Last evaluated: 2023-09-29. Review status: criteria provided, single submitter. Criteria: Invitae Variant Classification Sherloc (09022015). Collection method: clinical testing. Allele origin: germline.
Comment: This variant has not been reported in the literature in individuals affected with APC-related conditions. In summary, the available evidence is currently insufficient to determine the role of this variant in disease. Therefore, it has been classified as a Variant of Uncertain Significance. Variants that disrupt the consensus splice site are a relatively common cause of aberrant splicing (PMID: 17576681, 9536098). Algorithms developed to predict the effect of sequence changes on RNA splicing suggest that this variant is not likely to affect RNA splicing. This variant is not present in population databases (gnomAD no frequency). This sequence change affects codon 243 of the APC mRNA. It is a 'silent' change, meaning that it does not change the encoded amino acid sequence of the APC protein. This variant also falls at the last nucleotide of exon 7, which is part of the consensus splice site for this exon.

Literature cited by the submitters: PubMed 17576681; PubMed 9536098.

NM_000038.6(APC):c.729G>A (p.Glu243=)

Gene: APC (APC regulator of Wnt signaling pathway; plus strand). Cytogenetic location: 5q22.2.
Variant type: single nucleotide variant.
Coding change: c.729G>A on transcript NM_000038.6 (MANE Select); coding-DNA position 729, G replaced by A.
Protein change: p.Glu243=; no amino-acid change (glutamic acid 243 retained).
Molecular consequence: synonymous variant. On other transcripts: 5 prime UTR variant (4), non-coding transcript variant (2), intron variant (5).
Genome position (GRCh38, 1-based): chr5:112,792,529, G>A. VCF-style: chr5-112792529-G-A. GRCh37 (hg19) VCF-style: chr5-112128226-G-A.
Other names: c.729G>A, p.Glu243= (NM_001127510.3, NM_001354895.2, NM_001354896.2 and 12 more transcripts); c.759G>A, p.Glu253= (NM_001354897.2, NM_001354902.2, NM_001407446.1); c.654G>A, p.Glu218= (NM_001354898.2, NM_001354904.2, NM_001407451.1); c.552G>A, p.Glu184= (NM_001354900.2, NM_001354901.2, NM_001354905.2 and 1 more transcripts); c.-307G>A (NM_001354906.2, NM_001407470.1, NM_001407471.1 and 1 more transcripts); c.646-8750G>A (NM_001407452.1, NM_001407469.1, NM_001354899.2 and 1 more transcripts); c.676-8750G>A (NM_001127511.3).
Identifiers: ClinVar variation 2764149 (VCV002764149.3), dbSNP rs1759744233, ClinGen allele CA445755596.